The following is an entry in ClinVar:

NM_007294.4(BRCA1):c.4746C>G (p.Asp1582Glu)

Gene: BRCA1 (BRCA1 DNA repair associated; minus strand). Cytogenetic location: 17q21.31.
Variant type: single nucleotide variant.
Coding change: c.4746C>G on transcript NM_007294.4 (MANE Select); coding-DNA position 4746, C replaced by G.
Protein change: p.Asp1582Glu; replaces aspartic acid 1582 with glutamic acid.
Molecular consequence: missense variant. On other transcripts: non-coding transcript variant (1).
Genome position (GRCh38, 1-based): chr17:43,071,168, G>C on the plus strand (C>G on the coding strand, the complement: BRCA1 is on the minus strand). VCF-style: chr17-43071168-G-C. GRCh37 (hg19) VCF-style: chr17-41223185-G-C.
Other names: c.4743C>G, p.Asp1581Glu (NM_001407614.1, NM_001407615.1, NM_001407616.1 and 17 more transcripts); c.4740C>G, p.Asp1580Glu (NM_001407627.1, NM_001407628.1, NM_001407629.1 and 14 more transcripts); c.933C>G, p.Asp311Glu (NM_001408512.1); c.906C>G, p.Asp302Glu (NM_001408513.1); c.1110C>G, p.Asp370Glu (NM_001408506.1); c.1107C>G, p.Asp369Glu (NM_001408507.1); c.1098C>G, p.Asp366Glu (NM_001408508.1); c.1095C>G, p.Asp365Glu (NM_001408509.1); and 70 more; short protein forms D1535E, D1582E, D1603E, D478E, D1454E, D1455E, D1513E, D1556E.
Identifiers: ClinVar variation 1054980 (VCV001054980.10), dbSNP rs2153877481, ClinGen allele CA10592016.
Genomic context (GRCh38, chr17:43,071,168, plus strand): 5'-AACTTTCAATGCAGAGGTTGAAGATGGTATGTTGCCAACACGAGCTGACTCTGGGGCTCT[G>C]TCTTCAGAAGGATCAGATTCAGGGTCATCAGAGAAGAGGCTGATTCCAGATTCCAGGTAA-3'
Protein context (NP_009225.1, residues 1572-1592): SDDPESDPSE[Asp1582Glu]RAPESARVGN

ClinVar aggregate classification (germline): Uncertain significance (1 of 4 stars; one submission).

Conditions:
Hereditary breast ovarian cancer syndrome. Also called: Hereditary breast and/or ovarian cancer syndrome; Hereditary breast and ovarian cancer syndrome; Hereditary breast and ovarian cancer syndrome (HBOC); Breast and ovarian cancer; Hereditary breast and ovarian cancer; BRCA1- and BRCA2-Associated Hereditary Breast and Ovarian Cancer. Identifiers: Orphanet 145, MedGen C0677776, MeSH D061325, MONDO:0003582. Disease mechanism: loss of function.

Submission:

Labcorp Genetics (formerly Invitae), Labcorp
Classification: Uncertain significance for Hereditary breast ovarian cancer syndrome. Last evaluated: 2018-03-28. Review status: criteria provided, single submitter. Criteria: Invitae Variant Classification Sherloc (09022015). Collection method: clinical testing. Allele origin: germline.
Comment: In summary, the available evidence is currently insufficient to determine the role of this variant in disease. Therefore, it has been classified as a Variant of Uncertain Significance. Algorithms developed to predict the effect of missense changes on protein structure and function (SIFT, PolyPhen-2, Align-GVGD) all suggest that this variant is likely to be tolerated, but these predictions have not been confirmed by published functional studies and their clinical significance is uncertain. This variant has not been reported in the literature in individuals with BRCA1-related disease. This variant is not present in population databases (ExAC no frequency). This sequence change replaces aspartic acid with glutamic acid at codon 1582 of the BRCA1 protein (p.Asp1582Glu). The aspartic acid residue is weakly conserved and there is a small physicochemical difference between aspartic acid and glutamic acid.